The following is an entry in ClinVar:

ClinVar aggregate classification (germline): Conflicting classifications of pathogenicity. Review status: criteria provided, conflicting classifications (1 of 4 stars). 3 submissions from 3 submitters: Uncertain significance (2); Likely benign (1). Last evaluated 2024-12-18.

Conditions:
Autosomal recessive inherited pseudoxanthoma elasticum (PXE). Identifiers: Orphanet 758, MedGen CN032334, MONDO:0009925, OMIM 264800.
Pseudoxanthoma elasticum, forme fruste. Also called: Pseudoxanthoma Elasticum, Incomplete; PSEUDOXANTHOMA ELASTICUM, HETEROZYGOUS. Identifiers: Orphanet 758, MedGen C1867450, MONDO:0008333, OMIM 177850.
Arterial calcification, generalized, of infancy, 2. Identifiers: Orphanet 51608, MedGen C3276161, MONDO:0013768, OMIM 614473.

Allele frequency attached by ClinVar (database versions not stated): gnomAD 0.00002; ExAC 0.00005; 1000 Genomes Project 30x 0.00016; 1000 Genomes Project 0.00020.
gnomAD v4.1: 71 of 1,613,656 alleles (0.0044%); highest among the groups gnomAD compares: Admixed American, 0.01%; no homozygotes.

Submissions (3):

Labcorp Genetics (formerly Invitae), Labcorp
Classification: Uncertain significance. Last evaluated: 2024-12-18. Review status: criteria provided, single submitter. Criteria: Invitae Variant Classification Sherloc (09022015). Collection method: clinical testing. Allele origin: germline.
Comment: This sequence change replaces valine, which is neutral and non-polar, with isoleucine, which is neutral and non-polar, at codon 592 of the ABCC6 protein (p.Val592Ile). This variant is present in population databases (rs190761354, gnomAD 0.02%). This variant has not been reported in the literature in individuals affected with ABCC6-related conditions. ClinVar contains an entry for this variant (Variation ID: 1450223). Invitae Evidence Modeling of protein sequence and biophysical properties (such as structural, functional, and spatial information, amino acid conservation, physicochemical variation, residue mobility, and thermodynamic stability) indicates that this missense variant is not expected to disrupt ABCC6 protein function with a negative predictive value of 95%. In summary, the available evidence is currently insufficient to determine the role of this variant in disease. Therefore, it has been classified as a Variant of Uncertain Significance.

Fulgent Genetics
Classification: Uncertain significance for Pseudoxanthoma elasticum, forme fruste; Autosomal recessive inherited pseudoxanthoma elasticum; Arterial calcification, generalized, of infancy, 2. Last evaluated: 2024-05-01. Review status: criteria provided, single submitter. Criteria: ACMG Guidelines, 2015. Collection method: clinical testing. Allele origin: germline.

CeGaT Center for Human Genetics Tuebingen
Classification: Likely benign. Last evaluated: 2024-02-01. Review status: criteria provided, single submitter. Criteria: CeGaT Center For Human Genetics Tuebingen Variant Classification Criteria Version 2. Collection method: clinical testing. Allele origin: germline. Affected: yes. Observed: 1 variant allele.
Comment: ABCC6: BP4

NM_001171.6(ABCC6):c.1774G>A (p.Val592Ile)

Gene: ABCC6 (ATP binding cassette subfamily C member 6; minus strand). Cytogenetic location: 16p13.11.
Variant type: single nucleotide variant.
Coding change: c.1774G>A on transcript NM_001171.6 (MANE Select); coding-DNA position 1774, G replaced by A.
Protein change: p.Val592Ile; replaces valine 592 with isoleucine.
Molecular consequence: missense variant. On other transcripts: non-coding transcript variant (1).
Genome position (GRCh38, 1-based): chr16:16,188,836, C>T on the plus strand (G>A on the coding strand, the complement: ABCC6 is on the minus strand). VCF-style: chr16-16188836-C-T. GRCh37 (hg19) VCF-style: chr16-16282693-C-T.
Other names: c.1432G>A, p.Val478Ile (NM_001351800.1); short protein forms V478I, V592I.
Identifiers: ClinVar variation 1450223 (VCV001450223.30), dbSNP rs190761354, ClinGen allele CA7926181.